The following is an entry in ClinVar:

ClinVar aggregate classification (germline): Uncertain significance. Review status: criteria provided, multiple submitters, no conflicts (2 of 4 stars). 4 submissions from 4 submitters: Uncertain significance (4). Last evaluated 2024-01-12.

Allele frequency attached by ClinVar (database versions not stated): gnomAD exomes 0.00004 and 0.00008; gnomAD 0.00005; 1000 Genomes Project 0.00020; ExAC 0.00005; ESP Exome Variant Server 0.00015; 1000 Genomes Project 30x 0.00016; TOPMed 0.00021.
gnomAD v4.1: 75 of 1,613,968 alleles (0.0046%); highest among the groups gnomAD compares: Admixed American, 0.055%; no homozygotes.

Submissions (4):

Women's Health and Genetics/Laboratory Corporation of America, LabCorp
Classification: Uncertain significance. Last evaluated: 2024-01-12. Review status: criteria provided, single submitter. Criteria: LabCorp Variant Classification Summary - May 2015. Collection method: clinical testing. Allele origin: germline.
Comment: Variant summary: TULP1 c.539G>A (p.Arg180His) results in a non-conservative amino acid change in the encoded protein sequence. Four of five in-silico tools predict a benign effect of the variant on protein function. The variant allele was found at a frequency of 8.4e-05 in 249998 control chromosomes (gnomAD). This frequency is not significantly higher than estimated for a pathogenic variant in TULP1 causing Leber Congenital Amaurosis (8.4e-05 vs 0.0005), allowing no conclusion about variant significance. c.539G>A has been reported in the literature in individuals affected with retinitis pigmentosa without a second pathogenic allele detected in them (examples: Gonzlez-delPozo_2011, Rodriguez-Munoz_2020). These report(s) do not provide unequivocal conclusions about association of the variant with Leber Congenital Amaurosis. To our knowledge, no experimental evidence demonstrating an impact on protein function has been reported. The following publications have been ascertained in the context of this evaluation (PMID: 22164218, 32036094). ClinVar contains an entry for this variant (Variation ID: 94126). Based on the evidence outlined above, the variant was classified as uncertain significance.

Labcorp Genetics (formerly Invitae), Labcorp
Classification: Uncertain significance. Last evaluated: 2022-10-04. Review status: criteria provided, single submitter. Criteria: Invitae Variant Classification Sherloc (09022015). Collection method: clinical testing. Allele origin: germline.
Comment: This sequence change replaces arginine, which is basic and polar, with histidine, which is basic and polar, at codon 180 of the TULP1 protein (p.Arg180His). This variant is present in population databases (rs146004382, gnomAD 0.04%). This variant has not been reported in the literature in individuals affected with TULP1-related conditions. ClinVar contains an entry for this variant (Variation ID: 94126). Advanced modeling of protein sequence and biophysical properties (such as structural, functional, and spatial information, amino acid conservation, physicochemical variation, residue mobility, and thermodynamic stability) performed at Invitae indicates that this missense variant is not expected to disrupt TULP1 protein function. In summary, the available evidence is currently insufficient to determine the role of this variant in disease. Therefore, it has been classified as a Variant of Uncertain Significance.

Blueprint Genetics
Classification: Uncertain significance. Last evaluated: 2022-08-08. Review status: criteria provided, single submitter. Criteria: ACMG Guidelines, 2015. Collection method: clinical testing. Allele origin: germline.

Eurofins Ntd Llc (ga)
Classification: Uncertain significance. Last evaluated: 2015-07-09. Review status: criteria provided, single submitter. Criteria: EGL Classification Definitions 2015. Collection method: clinical testing. Allele origin: germline. Observed: 3 variant alleles, 3 heterozygotes.

Literature cited by the submitters: PubMed 32036094 (cited by Women's Health and Genetics/Laboratory Corporation of America, LabCorp); PubMed 22164218 (cited by Women's Health and Genetics/Laboratory Corporation of America, LabCorp).

NM_003322.6(TULP1):c.539G>A (p.Arg180His)

Gene: TULP1 (TUB like protein 1; minus strand). Cytogenetic location: 6p21.31.
Variant type: single nucleotide variant.
Coding change: c.539G>A on transcript NM_003322.6 (MANE Select); coding-DNA position 539, G replaced by A.
Protein change: p.Arg180His; replaces arginine 180 with histidine.
Molecular consequence: missense variant.
Genome position (GRCh38, 1-based): chr6:35,509,889, C>T on the plus strand (G>A on the coding strand, the complement: TULP1 is on the minus strand). VCF-style: chr6-35509889-C-T. GRCh37 (hg19) VCF-style: chr6-35477666-C-T.
Other names: c.380G>A, p.Arg127His (NM_001289395.2); short protein forms R180H, R127H.
Identifiers: ClinVar variation 94126 (VCV000094126.12), dbSNP rs146004382, ClinGen allele CA221972.
Genomic context (GRCh38, chr6:35,509,889, plus strand): 5'-TTCTTCTTGGTCTTTCTCATCTTGGTCCCCTCCCCTGCTGGAGCTTCCTTATTCCTAACA[C>T]GCAGAGGTTTCGGTGGGGGGTCAGGGCTTCCCAGGTCTCCTGGAAATGGAAGATGGGGGT-3'
Protein context (NP_003313.3, residues 170-190): GSPDPPPKPL[Arg180His]VRNKEAPAGE